The following is an entry in ClinVar:

NM_014639.4(SKIC3):c.4156C>T (p.Leu1386Phe)

Gene: SKIC3 (SKI3 subunit of superkiller complex; minus strand). Cytogenetic location: 5q15.
Variant type: single nucleotide variant.
Coding change: c.4156C>T on transcript NM_014639.4 (MANE Select); coding-DNA position 4156, C replaced by T.
Protein change: p.Leu1386Phe; replaces leucine 1386 with phenylalanine.
Molecular consequence: missense variant.
Genome position (GRCh38, 1-based): chr5:95,482,529, G>A on the plus strand (C>T on the coding strand, the complement: SKIC3 is on the minus strand). VCF-style: chr5-95482529-G-A. GRCh37 (hg19) VCF-style: chr5-94818233-G-A.
Other names: short protein forms L1386F.
Identifiers: ClinVar variation 2068658 (VCV002068658.4), dbSNP rs1746403100, ClinGen allele CA360444104.
Genomic context (GRCh38, chr5:95,482,529, plus strand): 5'-TTACCTGCCAAGCTGGAACAGAGGTTGAGTTGGACATGACTGTTTTTTGTAGTTCTTCAA[G>A]TACAGCATCTGGGAGTGGCTTTTGTGACTCCAGGAGTGGTTTACACTGAACTTGTCTCAA-3'
Protein context (NP_055454.1, residues 1376-1396): ESQKPLPDAV[Leu1386Phe]EELQKTVMSN

ClinVar aggregate classification (germline): Uncertain significance (1 of 4 stars; one submission).

Submission:

Labcorp Genetics (formerly Invitae), Labcorp
Classification: Uncertain significance. Last evaluated: 2022-01-01. Review status: criteria provided, single submitter. Criteria: Invitae Variant Classification Sherloc (09022015). Collection method: clinical testing. Allele origin: germline.
Comment: In summary, the available evidence is currently insufficient to determine the role of this variant in disease. Therefore, it has been classified as a Variant of Uncertain Significance. Algorithms developed to predict the effect of missense changes on protein structure and function are either unavailable or do not agree on the potential impact of this missense change (SIFT: "Deleterious"; PolyPhen-2: "Probably Damaging"; Align-GVGD: "Class C0"). This variant has not been reported in the literature in individuals affected with TTC37-related conditions. This variant is not present in population databases (gnomAD no frequency). This sequence change replaces leucine, which is neutral and non-polar, with phenylalanine, which is neutral and non-polar, at codon 1386 of the TTC37 protein (p.Leu1386Phe).